The following is an entry in ClinVar:

NM_001283009.2(RTEL1):c.3326A>G (p.Asp1109Gly)

Genes: RTEL1 (regulator of telomere elongation helicase 1; plus strand), RTEL1-TNFRSF6B (RTEL1-TNFRSF6B readthrough (NMD candidate); plus strand). Cytogenetic location: 20q13.33.
Variant type: single nucleotide variant.
Coding change: c.3326A>G on transcript NM_001283009.2 (MANE Select); coding-DNA position 3326, A replaced by G.
Protein change: p.Asp1109Gly; replaces aspartic acid 1109 with glycine.
Molecular consequence: missense variant. On other transcripts: non-coding transcript variant (1).
Genome position (GRCh38, 1-based): chr20:63,694,957, A>G. VCF-style: chr20-63694957-A-G. GRCh37 (hg19) VCF-style: chr20-62326310-A-G.
Other names: c.2657A>G, p.Asp886Gly (NM_001283010.1); c.3326A>G, p.Asp1109Gly (NM_016434.4); c.3398A>G, p.Asp1133Gly (NM_032957.5); short protein forms D1109G, D886G, D1133G.
Identifiers: ClinVar variation 4629505 (VCV004629505.1).
Genomic context (GRCh38, chr20:63,694,957, plus strand): 5'-ACGACGACCTCGACAAGGTGCTGGCTGTGTTGGCCGCCCTGACCACTGCAAAGCCAGAGG[A>G]CTTCCCCCTGCTGCACAGCAAGTGGCCCTGGCGTGGGGAACAGCCGGTGGGGTGGGGGGC-3'
Protein context (NP_001269938.1, residues 1099-1119): LAALTTAKPE[Asp1109Gly]FPLLHRFSMF

ClinVar aggregate classification (germline): Uncertain significance (1 of 4 stars; one submission).

Conditions:
Inborn genetic diseases. Identifiers: MedGen C0950123, MeSH D030342.

gnomAD v4.1: 1 of 1,612,344 alleles (0.000062%); highest among the groups gnomAD compares: Non-Finnish European, 0.000085%; no homozygotes.

Submission:

Ambry Genetics
Classification: Uncertain significance for Inborn genetic diseases. Last evaluated: 2025-09-19. Review status: criteria provided, single submitter. Criteria: Ambry Variant Classification Scheme 2023. Collection method: clinical testing. Allele origin: germline.
Comment: The p.D1109G variant (also known as c.3326A>G), located in coding exon 31 of the RTEL1 gene, results from an A to G substitution at nucleotide position 3326. The aspartic acid at codon 1109 is replaced by glycine, an amino acid with similar properties. This amino acid position is conserved. In addition, the in silico prediction for this alteration is inconclusive. Based on the available evidence, the clinical significance of this variant remains unclear.